The following is an entry in ClinVar:

NM_030665.4(RAI1):c.2834C>G (p.Ser945Cys)

Gene: RAI1 (retinoic acid induced 1; plus strand). Cytogenetic location: 17p11.2.
Variant type: single nucleotide variant.
Coding change: c.2834C>G on transcript NM_030665.4 (MANE Select); coding-DNA position 2834, C replaced by G.
Protein change: p.Ser945Cys; replaces serine 945 with cysteine.
Molecular consequence: missense variant.
Genome position (GRCh38, 1-based): chr17:17,795,782, C>G. VCF-style: chr17-17795782-C-G. GRCh37 (hg19) VCF-style: chr17-17699096-C-G.
Other names: short protein forms S945C.
Identifiers: ClinVar variation 3355656 (VCV003355656.1).

ClinVar aggregate classification (germline): Uncertain significance (0 of 4 stars; one submission).

Conditions:
RAI1-related disorder. Also called: RAI1-related condition.

gnomAD v4.1: 4 of 1,613,666 alleles (0.00025%); highest among the groups gnomAD compares: Non-Finnish European, 0.00034%; no homozygotes.

Submission:

PreventionGenetics, part of Exact Sciences
Classification: Uncertain significance for RAI1-related condition. Last evaluated: 2024-04-01. Review status: no assertion criteria provided. Collection method: clinical testing. Allele origin: germline.
Comment: The RAI1 c.2834C>G variant is predicted to result in the amino acid substitution p.Ser945Cys. To our knowledge, this variant has not been reported in the literature. This variant is reported in 0.0018% of alleles in individuals of European (Non-Finnish) descent in gnomAD. At this time, the clinical significance of this variant is uncertain due to the absence of conclusive functional and genetic evidence.